The following is an entry in ClinVar:

ClinVar aggregate classification (germline): Benign/Likely benign. Review status: criteria provided, multiple submitters, no conflicts (2 of 4 stars). 4 submissions from 4 submitters: Benign (1); Likely benign (2). 1 of the submissions does not count toward it. Last evaluated 2026-01-19.

Conditions:
ALG2-related disorder. Also called: ALG2-related condition.
Congenital disorder of glycosylation, type Ii. Also called: ALG2-CDG; CDG Ii; ALG2-congenital disorder of glycosylation. Identifiers: Orphanet 79326, MedGen C1842836, MONDO:0011933, OMIM 607906.
Congenital myasthenic syndrome 14. Also called: Myasthenic syndrome, congenital, 14, with tubular aggregates. Identifiers: Orphanet 353327, Orphanet 590, MedGen C4015597, MONDO:0014543, OMIM 616228.

Allele frequency attached by ClinVar (database versions not stated): 1000 Genomes Project 0.00140; gnomAD exomes 0.00026; TOPMed 0.00108; 1000 Genomes Project 30x 0.00109; gnomAD 0.00106 and 0.00121; ExAC 0.00026.

Submissions (4):

Labcorp Genetics (formerly Invitae), Labcorp
Classification: Benign for Congenital disorder of glycosylation, type Ii; Congenital myasthenic syndrome 14. Last evaluated: 2026-01-19. Review status: criteria provided, single submitter. Criteria: Invitae Variant Classification Sherloc (09022015). Collection method: clinical testing. Allele origin: germline.

GeneDx
Classification: Likely benign. Last evaluated: 2016-08-09. Review status: criteria provided, single submitter. Criteria: GeneDx Variant Classification (06012015). Collection method: clinical testing. Allele origin: germline. Affected: yes.
Comment: This variant is considered likely benign or benign based on one or more of the following criteria: it is a conservative change, it occurs at a poorly conserved position in the protein, it is predicted to be benign by multiple in silico algorithms, and/or has population frequency not consistent with disease.

Breakthrough Genomics
Classification: Likely benign. Review status: criteria provided, single submitter. Criteria: ACMG Guidelines, 2015. Collection method: not provided. Allele origin: germline. Inheritance: Autosomal recessive inheritance. Affected: yes.

PreventionGenetics, part of Exact Sciences
Classification: Likely benign for ALG2-related condition. Last evaluated: 2021-10-19. Review status: no assertion criteria provided. Collection method: clinical testing. Allele origin: germline. Not counted in ClinVar's aggregate classification.
Comment: This variant is classified as likely benign based on ACMG/AMP sequence variant interpretation guidelines (Richards et al. 2015 PMID: 25741868, with internal and published modifications).

NM_033087.4(ALG2):c.288C>T (p.Phe96=)

Gene: ALG2 (ALG2 alpha-1,3/1,6-mannosyltransferase; minus strand). Cytogenetic location: 9q22.33.
Variant type: single nucleotide variant.
Coding change: c.288C>T on transcript NM_033087.4 (MANE Select); coding-DNA position 288, C replaced by T.
Protein change: p.Phe96=; no amino-acid change (phenylalanine 96 retained).
Molecular consequence: synonymous variant. On other transcripts: non-coding transcript variant (1).
Genome position (GRCh38, 1-based): chr9:99,221,607, G>A on the plus strand (C>T on the coding strand, the complement: ALG2 is on the minus strand). VCF-style: chr9-99221607-G-A. GRCh37 (hg19) VCF-style: chr9-101983889-G-A.
Identifiers: ClinVar variation 388260 (VCV000388260.16), dbSNP rs542863968, ClinGen allele CA5156425.